The following is an entry in ClinVar:

NM_001111.5(ADAR):c.*844G>C

Gene: ADAR (adenosine deaminase RNA specific; minus strand). Cytogenetic location: 1q21.3.
Variant type: single nucleotide variant.
Coding change: c.*844G>C on transcript NM_001111.5 (MANE Select); 844 bases downstream of the stop codon, G replaced by C.
Molecular consequence: 3 prime UTR variant.
Genome position (GRCh38, 1-based): chr1:154,583,962, C>G on the plus strand (G>C on the coding strand, the complement: ADAR is on the minus strand). VCF-style: chr1-154583962-C-G. GRCh37 (hg19) VCF-style: chr1-154556438-C-G.
Other names: c.*844G>C (LRG_1212t1, NM_001025107.3, NM_001193495.2 and 7 more transcripts).
Identifiers: ClinVar variation 292735 (VCV000292735.5), dbSNP rs181589660, ClinGen allele CA10608242.

ClinVar aggregate classification (germline): Likely benign (1 of 4 stars; one submission).

Conditions:
Symmetrical dyschromatosis of extremities (DSH). Also called: Dyschromatosis symmetrica hereditaria; DYSCHROMATOSIS SYMMETRICA HEREDITARIA 1; RETICULATE ACROPIGMENTATION OF DOHI; SYMMETRIC DYSCHROMATOSIS OF THE EXTREMITIES. Identifiers: Orphanet 41, MedGen C0406775, MONDO:0007483, OMIM 127400.

Allele frequency attached by ClinVar (database versions not stated): TOPMed 0.00012; 1000 Genomes Project 0.00100; gnomAD 0.00134 and 0.00135; 1000 Genomes Project 30x 0.00094.

Submission:

Illumina Laboratory Services, Illumina
Classification: Likely benign for Symmetrical dyschromatosis of extremities. Last evaluated: 2017-04-27. Review status: criteria provided, single submitter. Criteria: ICSL Variant Classification Criteria 13 December 2019. Collection method: clinical testing. Allele origin: germline.
Comment: This variant was observed as part of a predisposition screen in an ostensibly healthy population. A literature search was performed for the gene, cDNA change, and amino acid change (where applicable). No publications were found based on this search. Allele frequency data from public databases allowed determination this variant is unlikely to cause disease. Therefore, this variant is classified as likely benign.